The following is an entry in ClinVar:

ClinVar aggregate classification (germline): Pathogenic (1 of 4 stars; one submission).

gnomAD v4.1: 1 of 1,608,866 alleles (0.000062%); highest among the groups gnomAD compares: Non-Finnish European, 0.000085%; no homozygotes.

Submission:

Labcorp Genetics (formerly Invitae), Labcorp
Classification: Pathogenic. Last evaluated: 2025-03-19. Review status: criteria provided, single submitter. Criteria: Invitae Variant Classification Sherloc (09022015). Collection method: clinical testing. Allele origin: germline.
Comment: This sequence change creates a premature translational stop signal (p.Tyr25*) in the RXYLT1 gene. It is expected to result in an absent or disrupted protein product. Loss-of-function variants in RXYLT1 are known to be pathogenic (PMID: 23217329, 23519211, 31742715). This variant is not present in population databases (gnomAD no frequency). This variant has not been reported in the literature in individuals affected with RXYLT1-related conditions. For these reasons, this variant has been classified as Pathogenic.

Literature cited by the submitters: PubMed 23217329; PubMed 23519211; PubMed 31742715.

NM_014254.3(RXYLT1):c.75C>A (p.Tyr25Ter)

Gene: RXYLT1 (ribitol xylosyltransferase 1; plus strand). Cytogenetic location: 12q14.2.
Variant type: single nucleotide variant.
Coding change: c.75C>A on transcript NM_014254.3 (MANE Select); coding-DNA position 75, C replaced by A.
Protein change: p.Tyr25Ter; replaces tyrosine 25 with a stop codon.
Molecular consequence: nonsense. On other transcripts: 5 prime UTR variant (1).
Genome position (GRCh38, 1-based): chr12:63,780,035, C>A. VCF-style: chr12-63780035-C-A. GRCh37 (hg19) VCF-style: chr12-64173815-C-A.
Other names: c.-1039C>A (NM_001278237.2); short protein forms Y25*.
Identifiers: ClinVar variation 4705146 (VCV004705146.1), dbSNP rs1897635500.
Genomic context (GRCh38, chr12:63,780,035, plus strand): 5'-GAAGCGGCTCTGCTCGTTTCTTATCGCCCTGTACTGCCTATTCTCCCTCTACGCTGCCTA[C>A]CACGTCTTCTTCGGGCGCCGCCGCCAGGCGCCGGCCGGGTCCCCGCGGGGCCTCAGGAAG-3'